The following is an entry in ClinVar:

ClinVar aggregate classification (germline): Uncertain significance (1 of 4 stars; one submission).

gnomAD v4.1: 1 of 1,539,936 alleles (0.000065%); highest among the groups gnomAD compares: Non-Finnish European, 0.000088%; no homozygotes.

Submission:

Mayo Clinic Laboratories, Mayo Clinic
Classification: Uncertain significance. Last evaluated: 2024-12-18. Review status: criteria provided, single submitter. Criteria: ACMG Guidelines, 2015. Collection method: clinical testing. Allele origin: germline. Observed: 1 variant allele.
Comment: PP3_moderate, PM2_supporting

NM_016204.4(GDF2):c.1280G>A (p.Gly427Glu)

Gene: GDF2 (growth differentiation factor 2; plus strand). Cytogenetic location: 10q11.22.
Variant type: single nucleotide variant.
Coding change: c.1280G>A on transcript NM_016204.4 (MANE Select); coding-DNA position 1280, G replaced by A.
Protein change: p.Gly427Glu; replaces glycine 427 with glutamic acid.
Molecular consequence: missense variant.
Genome position (GRCh38, 1-based): chr10:47,325,774, G>A. VCF-style: chr10-47325774-G-A. GRCh37 (hg19) VCF-style: chr10-48413588-C-T.
Other names: p.Gly427Glu; short protein forms G427E.
Identifiers: ClinVar variation 4541538 (VCV004541538.1).